The following is an entry in ClinVar:

NM_032802.4(SPPL2A):c.616A>G (p.Arg206Gly)

Gene: SPPL2A (signal peptide peptidase like 2A; minus strand). Cytogenetic location: 15q21.2.
Variant type: single nucleotide variant.
Coding change: c.616A>G on transcript NM_032802.4 (MANE Select); coding-DNA position 616, A replaced by G.
Protein change: p.Arg206Gly; replaces arginine 206 with glycine.
Molecular consequence: missense variant.
Genome position (GRCh38, 1-based): chr15:50,739,797, T>C on the plus strand (A>G on the coding strand, the complement: SPPL2A is on the minus strand). VCF-style: chr15-50739797-T-C. GRCh37 (hg19) VCF-style: chr15-51031994-T-C.
Other names: c.616A>G, p.Arg206Gly (NM_001438111.1, NM_001438112.1); short protein forms R206G.
Identifiers: ClinVar variation 4720366 (VCV004720366.1).
Genomic context (GRCh38, chr15:50,739,797, plus strand): 5'-ATATTACAACTGTAAGAGGACTAAAAGTTAAATATTCTTCCTTCTTTTTCCTCATTTCTC[T>C]ATCTTCAGTTGTCACTGCTTTCAAGTTTTCCCTGTACAAACACACAGGAACTTTAGCAAA-3'
Protein context (NP_116191.2, residues 196-216): ENLKAVTTED[Arg206Gly]EMRKKKEEYL

ClinVar aggregate classification (germline): Uncertain significance (1 of 4 stars; one submission).

Submission:

Labcorp Genetics (formerly Invitae), Labcorp
Classification: Uncertain significance. Last evaluated: 2025-09-25. Review status: criteria provided, single submitter. Criteria: Invitae Variant Classification Sherloc (09022015). Collection method: clinical testing. Allele origin: germline.
Comment: This sequence change replaces arginine, which is basic and polar, with glycine, which is neutral and non-polar, at codon 206 of the SPPL2A protein (p.Arg206Gly). This variant is not present in population databases (gnomAD no frequency). This variant has not been reported in the literature in individuals affected with SPPL2A-related conditions. An algorithm developed to predict the effect of missense changes on protein structure and function outputs the following: PolyPhen-2: "Benign". The glycine amino acid residue is found in multiple mammalian species, which suggests that this missense change does not adversely affect protein function. In summary, the available evidence is currently insufficient to determine the role of this variant in disease. Therefore, it has been classified as a Variant of Uncertain Significance.